The following is an entry in ClinVar:

ClinVar aggregate classification (germline): Likely benign. Review status: criteria provided, multiple submitters, no conflicts (2 of 4 stars). 4 submissions from 4 submitters: Likely benign (4). Last evaluated 2025-08-29.

Conditions:
Hereditary breast ovarian cancer syndrome. Also called: Hereditary breast and/or ovarian cancer syndrome; BRCA1- and BRCA2-Associated Hereditary Breast and Ovarian Cancer; Breast and ovarian cancer; Hereditary breast and ovarian cancer; Hereditary breast and ovarian cancer syndrome; Hereditary breast and ovarian cancer syndrome (HBOC). Identifiers: Orphanet 145, MedGen C0677776, MeSH D061325, MONDO:0003582. Disease mechanism: loss of function.
Hereditary cancer-predisposing syndrome. Also called: Hereditary neoplastic syndrome; Tumor predisposition; Hereditary Cancer Syndrome; Neoplastic Syndromes, Hereditary. Identifiers: Orphanet 140162, MedGen C0027672, MeSH D009386, MONDO:0015356.

Allele frequency attached by ClinVar (database versions not stated): gnomAD exomes below 0.00001; gnomAD 0.00001; TOPMed 0.00001.
gnomAD v4.1: 6 of 1,614,084 alleles (0.00037%); highest among the groups gnomAD compares: Non-Finnish European, 0.00051%; no homozygotes.

Submissions (4):

Labcorp Genetics (formerly Invitae), Labcorp
Classification: Likely benign for Hereditary breast ovarian cancer syndrome. Last evaluated: 2025-08-29. Review status: criteria provided, single submitter. Criteria: Invitae Variant Classification Sherloc (09022015). Collection method: clinical testing. Allele origin: germline.

GeneDx
Classification: Likely benign. Last evaluated: 2018-03-23. Review status: criteria provided, single submitter. Criteria: GeneDx Variant Classification (06012015). Collection method: clinical testing. Allele origin: germline. Affected: yes.
Comment: This variant is considered likely benign or benign based on one or more of the following criteria: it is a conservative change, it occurs at a poorly conserved position in the protein, it is predicted to be benign by multiple in silico algorithms, and/or has population frequency not consistent with disease.

Color Diagnostics, LLC DBA Color Health
Classification: Likely benign for Hereditary cancer-predisposing syndrome. Last evaluated: 2016-09-09. Review status: criteria provided, single submitter. Criteria: ACMG Guidelines, 2015. Collection method: clinical testing. Allele origin: germline.

Ambry Genetics
Classification: Likely benign for Hereditary cancer-predisposing syndrome. Last evaluated: 2015-11-18. Review status: criteria provided, single submitter. Criteria: Ambry Variant Classification Scheme 2023. Collection method: clinical testing. Allele origin: germline.

NM_000059.4(BRCA2):c.7965A>G (p.Gln2655=)

Gene: BRCA2 (BRCA2 DNA repair associated; plus strand). Cytogenetic location: 13q13.1.
Variant type: single nucleotide variant.
Coding change: c.7965A>G on transcript NM_000059.4 (MANE Select); coding-DNA position 7965, A replaced by G.
Protein change: p.Gln2655=; no amino-acid change (glutamine 2655 retained).
Molecular consequence: synonymous variant.
Genome position (GRCh38, 1-based): chr13:32,362,682, A>G. VCF-style: chr13-32362682-A-G. GRCh37 (hg19) VCF-style: chr13-32936819-A-G.
Identifiers: ClinVar variation 491340 (VCV000491340.16), dbSNP rs888703174, ClinGen allele CA247475304.
Genomic context (GRCh38, chr13:32,362,682, plus strand): 5'-ATGTGCCTTTCCTAAGGAATTTGCTAATAGATGCCTAAGCCCAGAAAGGGTGCTTCTTCA[A>G]CTAAAATACAGGCAAGTTTAAAGCATTACATTACGTAATCATATACGGCAGTATGGTTAA-3'
Protein context (NP_000050.3, residues 2645-2665): RCLSPERVLL[Gln2655=]LKYRYDTEID